The following is an entry in ClinVar:

ClinVar aggregate classification (germline): Conflicting classifications of pathogenicity. Review status: criteria provided, conflicting classifications (1 of 4 stars). 12 submissions from 10 submitters: Uncertain significance (1); Benign (5); Likely benign (4). 2 of the submissions do not count toward it. Last evaluated 2026-02-02.

Conditions:
Kidney disorder. Also called: Nephropathy; Kidney disease; Kidney Diseases; renal disorder; renal disease. Identifiers: MedGen C0022658, MONDO:0005240, HP:0000112.
RPGRIP1L-related disorder. Also called: RPGRIP1L-related disorders; RPGRIP1L-related condition. Identifiers: MedGen CN239416.
Meckel-Gruber syndrome. Also called: Dysencephalia splachnocystica; DYSENCEPHALIA SPLANCHNOCYSTICA; GRUBER SYNDROME. Identifiers: Orphanet 564, MedGen C0265215, MONDO:0018921.
Joubert syndrome. Also called: Familial aplasia of the vermis; JOUBERT-BOLTSHAUSER SYNDROME. Identifiers: Orphanet 475, MedGen C5979921, MONDO:0018772.
Nephronophthisis 8. Identifiers: MedGen CN119610.
Meckel syndrome, type 5 (MKS5). Identifiers: Orphanet 564, MedGen C1969052, MONDO:0012695, OMIM 611561.
Joubert syndrome 7 (JBTS7). Identifiers: Orphanet 220497, MedGen C1969053, MONDO:0012694, OMIM 611560.

Allele frequency attached by ClinVar (database versions not stated): gnomAD exomes 0.00077 and 0.00147; ExAC 0.00130; 1000 Genomes Project 0.00459; 1000 Genomes Project 30x 0.00515; gnomAD 0.00648 and 0.00702; TOPMed 0.00788.
gnomAD v4.1: 1,403 of 654,884 alleles (0.21%); highest among the groups gnomAD compares: African/African-American, 2.1%; 13 homozygotes.

Submissions (12):

Labcorp Genetics (formerly Invitae), Labcorp
Classification: Likely benign for Joubert syndrome; Meckel-Gruber syndrome. Last evaluated: 2026-02-02. Review status: criteria provided, single submitter. Criteria: Invitae Variant Classification Sherloc (09022015). Collection method: clinical testing. Allele origin: germline.

PreventionGenetics, part of Exact Sciences
Classification: Benign for RPGRIP1L-related condition. Last evaluated: 2025-05-27. Review status: criteria provided, single submitter. Criteria: ACMG Guidelines, 2015. Collection method: clinical testing. Allele origin: germline.
Comment: This variant is classified as benign based on ACMG/AMP sequence variant interpretation guidelines (Richards et al. 2015 PMID: 25741868, with internal and published modifications).

Mayo Clinic Laboratories, Mayo Clinic
Classification: Benign. Last evaluated: 2023-06-09. Review status: criteria provided, single submitter. Criteria: ACMG Guidelines, 2015. Collection method: clinical testing. Allele origin: germline. Observed: 2 variant alleles.
Comment: BS1, BS2, BP4, BP7

Blueprint Genetics
Classification: Benign. Last evaluated: 2022-03-14. Review status: criteria provided, single submitter. Criteria: ACMG Guidelines, 2015. Collection method: clinical testing. Allele origin: germline.

GeneDx
Classification: Benign. Last evaluated: 2019-02-01. Review status: criteria provided, single submitter. Criteria: GeneDx Variant Classification Process June 2021. Collection method: clinical testing. Allele origin: germline. Affected: yes.

Illumina Laboratory Services, Illumina
Classification: Likely benign for Nephronophthisis 8. Last evaluated: 2018-01-13. Review status: criteria provided, single submitter. Criteria: ICSL Variant Classification Criteria 13 December 2019. Collection method: clinical testing. Allele origin: germline.
Comment: This variant was observed in the ICSL laboratory as part of a predisposition screen in an ostensibly healthy population. It had not been previously curated by ICSL or reported in the Human Gene Mutation Database (HGMD: prior to June 1st, 2018), and was therefore a candidate for classification through an automated scoring system. Utilizing variant allele frequency, disease prevalence and penetrance estimates, and inheritance mode, an automated score was calculated to assess if this variant is too frequent to cause the disease. Based on the score and internal cut-off values, a variant classified as likely benign is not then subjected to further curation. The score for this variant resulted in a classification of likely benign for this disease.

Illumina Laboratory Services, Illumina
Classification: Likely benign for Joubert syndrome 7. Last evaluated: 2018-01-13. Review status: criteria provided, single submitter. Criteria: ICSL Variant Classification Criteria 13 December 2019. Collection method: clinical testing. Allele origin: germline.
Comment: the same text as in the submission from Illumina Laboratory Services, Illumina above.

Illumina Laboratory Services, Illumina
Classification: Uncertain significance for Meckel syndrome, type 5. Last evaluated: 2018-01-13. Review status: criteria provided, single submitter. Criteria: ICSL Variant Classification Criteria 13 December 2019. Collection method: clinical testing. Allele origin: germline.

Genome Diagnostics Laboratory, The Hospital for Sick Children
Classification: Likely benign for Kidney disorder. Last evaluated: 2016-12-12. Review status: criteria provided, single submitter. Criteria: ACMG Guidelines, 2015. Collection method: clinical testing. Allele origin: germline.

Eurofins Ntd Llc (ga)
Classification: Benign. Last evaluated: 2016-11-01. Review status: criteria provided, single submitter. Criteria: EGL Classification Definitions 2015. Collection method: clinical testing. Allele origin: germline. Observed: 2 variant alleles, 2 heterozygotes.

Clinical Genetics, Academic Medical Center
Classification: Benign. Review status: no assertion criteria provided. Collection method: clinical testing. Allele origin: germline. Affected: yes. Study: VKGL Data-share Consensus. Not counted in ClinVar's aggregate classification.

Genome Diagnostics Laboratory, University Medical Center Utrecht
Classification: Likely benign. Review status: no assertion criteria provided. Collection method: clinical testing. Allele origin: germline. Affected: yes. Study: VKGL Data-share Consensus. Not counted in ClinVar's aggregate classification.

NM_015272.5(RPGRIP1L):c.3372C>T (p.Ser1124=)

Gene: RPGRIP1L (RPGRIP1 like; minus strand). Cytogenetic location: 16q12.2.
Variant type: single nucleotide variant.
Coding change: c.3372C>T on transcript NM_015272.5 (MANE Select); coding-DNA position 3372, C replaced by T.
Protein change: p.Ser1124=; no amino-acid change (serine 1124 retained).
Molecular consequence: synonymous variant. On other transcripts: intron variant (2).
Genome position (GRCh38, 1-based): chr16:53,622,279, G>A on the plus strand (C>T on the coding strand, the complement: RPGRIP1L is on the minus strand). VCF-style: chr16-53622279-G-A. GRCh37 (hg19) VCF-style: chr16-53656191-G-A.
Other names: p.Ser1124=; c.3270C>T, p.Ser1090= (NM_001330538.2); c.3193-3071C>T (NM_001127897.4); c.3295-3071C>T (NM_001308334.3); c.3372C>T (NM_015272.4).
Identifiers: ClinVar variation 167607 (VCV000167607.29), dbSNP rs146902870, ClinGen allele CA234809.
Genomic context (GRCh38, chr16:53,622,279, plus strand): 5'-CTGGGTGTGGTGGCAGGCACCTGTAATCCCATCTACTTGGGAGGCTGAGGCAGGAAAATC[G>A]CTGGAACCCGGGAGGCGGAAGTTGCAGTGAGCTGAGATCGCGCTACTGCACCCCAGCCCG-3'
Protein context (NP_056087.2, residues 1114-1134): AHCNFRLPGS[Ser1124=]DFPASASQVD